The following is an entry in ClinVar:

ClinVar aggregate classification (germline): Uncertain significance. Review status: criteria provided, multiple submitters, no conflicts (2 of 4 stars). 2 submissions from 2 submitters: Uncertain significance (2). Last evaluated 2024-12-08.

Submissions (2):

Ambry Genetics
Classification: Uncertain significance. Last evaluated: 2024-12-08. Review status: criteria provided, single submitter. Criteria: Ambry Variant Classification Scheme 2023. Collection method: clinical testing. Allele origin: germline.
Comment: The p.A406V variant (also known as c.1217C>T), located in coding exon 8 of the RNF43 gene, results from a C to T substitution at nucleotide position 1217. The alanine at codon 406 is replaced by valine, an amino acid with similar properties. This amino acid position is conserved. In addition, this alteration is predicted to be tolerated by in silico analysis. Based on the available evidence, the clinical significance of this variant remains unclear.

Labcorp Genetics (formerly Invitae), Labcorp
Classification: Uncertain significance. Last evaluated: 2023-11-08. Review status: criteria provided, single submitter. Criteria: Invitae Variant Classification Sherloc (09022015). Collection method: clinical testing. Allele origin: germline.
Comment: This sequence change replaces alanine, which is neutral and non-polar, with valine, which is neutral and non-polar, at codon 406 of the RNF43 protein (p.Ala406Val). This variant is not present in population databases (gnomAD no frequency). This variant has not been reported in the literature in individuals affected with RNF43-related conditions. ClinVar contains an entry for this variant (Variation ID: 1366960). An algorithm developed to predict the effect of missense changes on protein structure and function (PolyPhen-2) suggests that this variant is likely to be tolerated. Algorithms developed to predict the effect of sequence changes on RNA splicing suggest that this variant may create or strengthen a splice site. In summary, the available evidence is currently insufficient to determine the role of this variant in disease. Therefore, it has been classified as a Variant of Uncertain Significance.

NM_017763.6(RNF43):c.1217C>T (p.Ala406Val)

Gene: RNF43 (ring finger protein 43; minus strand). Cytogenetic location: 17q22.
Variant type: single nucleotide variant.
Coding change: c.1217C>T on transcript NM_017763.6 (MANE Select); coding-DNA position 1217, C replaced by T.
Protein change: p.Ala406Val; replaces alanine 406 with valine.
Molecular consequence: missense variant.
Genome position (GRCh38, 1-based): chr17:58,358,559, G>A on the plus strand (C>T on the coding strand, the complement: RNF43 is on the minus strand). VCF-style: chr17-58358559-G-A. GRCh37 (hg19) VCF-style: chr17-56435920-G-A.
Other names: c.1217C>T, p.Ala406Val (NM_001305544.3); c.836C>T, p.Ala279Val (NM_001305545.2); short protein forms A279V, A406V.
Identifiers: ClinVar variation 1366960 (VCV001366960.9), dbSNP rs564401086, ClinGen allele CA400330870.